The following is an entry in ClinVar:

NM_052844.4(DYNC2I2):c.1604C>T (p.Ala535Val)

Gene: DYNC2I2 (dynein 2 intermediate chain 2; minus strand). Cytogenetic location: 9q34.11.
Variant type: single nucleotide variant.
Coding change: c.1604C>T on transcript NM_052844.4 (MANE Select); coding-DNA position 1604, C replaced by T.
Protein change: p.Ala535Val; replaces alanine 535 with valine.
Molecular consequence: missense variant.
Genome position (GRCh38, 1-based): chr9:128,633,751, G>A on the plus strand (C>T on the coding strand, the complement: DYNC2I2 is on the minus strand). VCF-style: chr9-128633751-G-A. GRCh37 (hg19) VCF-style: chr9-131396030-G-A.
Other names: c.1604C>T (NM_052844.3); short protein forms A535V.
Identifiers: ClinVar variation 1681162 (VCV001681162.5), dbSNP rs758735687, ClinGen allele CA5266147.

ClinVar aggregate classification (germline): Uncertain significance. Review status: criteria provided, multiple submitters, no conflicts (2 of 4 stars). 2 submissions from 2 submitters: Uncertain significance (2). Last evaluated 2025-04-18.

Conditions:
Short-rib thoracic dysplasia 11 with or without polydactyly (SRTD11). Also called: SHORT-RIB THORACIC DYSPLASIA 11 WITHOUT POLYDACTYLY. Identifiers: Orphanet 474, Orphanet 93271, MedGen C3810200, MONDO:0014287, OMIM 615633.
Inborn genetic diseases. Identifiers: MedGen C0950123, MeSH D030342.

gnomAD v4.1: 20 of 1,612,648 alleles (0.0012%); highest among the groups gnomAD compares: Middle Eastern, 0.017%; 1 homozygote.

Submissions (2):

Ambry Genetics
Classification: Uncertain significance for Inborn genetic diseases. Last evaluated: 2025-04-18. Review status: criteria provided, single submitter. Criteria: Ambry Variant Classification Scheme 2023. Collection method: clinical testing. Allele origin: germline.

Labcorp Genetics (formerly Invitae), Labcorp
Classification: Uncertain significance for Short-rib thoracic dysplasia 11 with or without polydactyly. Last evaluated: 2022-11-01. Review status: criteria provided, single submitter. Criteria: Invitae Variant Classification Sherloc (09022015). Collection method: clinical testing. Allele origin: germline.
Comment: This sequence change replaces alanine, which is neutral and non-polar, with valine, which is neutral and non-polar, at codon 535 of the WDR34 protein (p.Ala535Val). In summary, the available evidence is currently insufficient to determine the role of this variant in disease. Therefore, it has been classified as a Variant of Uncertain Significance. Algorithms developed to predict the effect of missense changes on protein structure and function are either unavailable or do not agree on the potential impact of this missense change (SIFT: "Tolerated"; PolyPhen-2: "Possibly Damaging"; Align-GVGD: "Class C0"). ClinVar contains an entry for this variant (Variation ID: 1681162). This variant has not been reported in the literature in individuals affected with WDR34-related conditions. This variant is present in population databases (rs758735687, gnomAD 0.007%).